The following is an entry in ClinVar:

ClinVar aggregate classification (germline): Uncertain significance. Review status: criteria provided, multiple submitters, no conflicts (2 of 4 stars). 2 submissions from 2 submitters: Uncertain significance (2). Last evaluated 2025-03-04.

Conditions:
Marfan syndrome (MFS). Also called: MARFAN SYNDROME, TYPE I; Marfan syndrome type 1; Marfan's syndrome; Marfan syndrome, classic; FBN1-Related Marfan Syndrome. Identifiers: Orphanet 284963, Orphanet 558, MedGen C0024796, MONDO:0007947, OMIM 154700.
Familial thoracic aortic aneurysm and aortic dissection (TAAD). Also called: Thoracic aortic aneurysms and dissections. Identifiers: Orphanet 91387, MedGen C4707243, MONDO:0019625.

Submissions (2):

Labcorp Genetics (formerly Invitae), Labcorp
Classification: Uncertain significance for Marfan syndrome; Familial thoracic aortic aneurysm and aortic dissection. Last evaluated: 2025-03-04. Review status: criteria provided, single submitter. Criteria: Invitae Variant Classification Sherloc (09022015). Collection method: clinical testing. Allele origin: germline.
Comment: This sequence change replaces asparagine, which is neutral and polar, with threonine, which is neutral and polar, at codon 2543 of the FBN1 protein (p.Asn2543Thr). This variant is not present in population databases (gnomAD no frequency). This variant has not been reported in the literature in individuals affected with FBN1-related conditions. Invitae Evidence Modeling of protein sequence and biophysical properties (such as structural, functional, and spatial information, amino acid conservation, physicochemical variation, residue mobility, and thermodynamic stability) indicates that this missense variant is expected to disrupt FBN1 protein function with a positive predictive value of 95%. In summary, the available evidence is currently insufficient to determine the role of this variant in disease. Therefore, it has been classified as a Variant of Uncertain Significance.

ARUP Laboratories, Molecular Genetics and Genomics, ARUP Laboratories
Classification: Uncertain significance. Last evaluated: 2024-06-05. Review status: criteria provided, single submitter. Criteria: ARUP Molecular Germline Variant Investigation Process 2024. Collection method: clinical testing. Allele origin: germline.
Comment: The FBN1 c.7628A>C; p.Asn2543Thr variant, to our knowledge, is not reported in the medical literature or gene specific databases. This variant is also absent from the Genome Aggregation Database (v2.1.1), indicating it is not a common polymorphism. Computational analyses predict that this variant is deleterious (REVEL: 0.919). However, given the lack of clinical and functional data, the significance of this variant is uncertain at this time.

NM_000138.5(FBN1):c.7628A>C (p.Asn2543Thr)

Gene: FBN1 (fibrillin 1; minus strand). Cytogenetic location: 15q21.1.
Variant type: single nucleotide variant.
Coding change: c.7628A>C on transcript NM_000138.5 (MANE Select); coding-DNA position 7628, A replaced by C.
Protein change: p.Asn2543Thr; replaces asparagine 2543 with threonine.
Molecular consequence: missense variant.
Genome position (GRCh38, 1-based): chr15:48,421,629, T>G on the plus strand (A>C on the coding strand, the complement: FBN1 is on the minus strand). VCF-style: chr15-48421629-T-G. GRCh37 (hg19) VCF-style: chr15-48713826-T-G.
Other names: c.7628A>C, p.Asn2543Thr (NM_001406716.1); short protein forms N2543T.
Identifiers: ClinVar variation 3766654 (VCV003766654.2).